The following is an entry in ClinVar:

NM_000088.4(COL1A1):c.677del (p.Pro226fs)

Gene: COL1A1 (collagen type I alpha 1 chain; minus strand). Cytogenetic location: 17q21.33.
Variant type: Deletion.
Coding change: c.677del on transcript NM_000088.4 (MANE Select); coding-DNA position 677, one base deleted (C; older notation c.677delC).
Protein change: p.Pro226fs; shifts the reading frame from proline 226.
Molecular consequence: frameshift variant.
Genome position (GRCh38, 1-based): chr17:50,197,751, G deleted on the plus strand (C on the coding strand, the reverse complement: COL1A1 is on the minus strand); the first of 5 consecutive G bases (chr17:50,197,751-50,197,755); deleting any one gives the same sequence. VCF-style (leftmost placement, unchanged base first): chr17-50197750-AG-A. GRCh37 (hg19) VCF-style: chr17-48275111-AG-A.
Other names: short protein forms P226fs.
Identifiers: ClinVar variation 804567 (VCV000804567.1), dbSNP rs1598299754, ClinGen allele CA915950621.

ClinVar aggregate classification (germline): Likely pathogenic (1 of 4 stars; one submission).

Submission:

Athena Diagnostics
Classification: Likely pathogenic. Last evaluated: 2019-02-12. Review status: criteria provided, single submitter. Criteria: Athena Diagnostics Criteria. Collection method: clinical testing. Allele origin: germline.
Comment: The variant results in a shift of the reading frame, and is therefore predicted to result in the loss of a functional protein. Not found in the total gnomAD dataset, and the data is high quality (0/246272 chr).